The following is an entry in ClinVar:

ClinVar aggregate classification (germline): Uncertain significance. Review status: criteria provided, multiple submitters, no conflicts (2 of 4 stars). 2 submissions from 2 submitters: Uncertain significance (2). Last evaluated 2023-08-27.

Conditions:
Developmental and epileptic encephalopathy, 46 (DEE46). Also called: Epileptic encephalopathy, early infantile, 46; GRIN2D-Related Developmental and Epileptic Encephalopathy. Identifiers: MedGen C4310687, MONDO:0014947, OMIM 617162.

Allele frequency attached by ClinVar (database versions not stated): gnomAD 0.00001; gnomAD exomes 0.00001.
gnomAD v4.1: 8 of 1,024,806 alleles (0.00078%); highest among the groups gnomAD compares: South Asian, 0.022%; no homozygotes.

Submissions (2):

Labcorp Genetics (formerly Invitae), Labcorp
Classification: Uncertain significance. Last evaluated: 2023-08-27. Review status: criteria provided, single submitter. Criteria: Invitae Variant Classification Sherloc (09022015). Collection method: clinical testing. Allele origin: germline.
Comment: This sequence change replaces glycine, which is neutral and non-polar, with aspartic acid, which is acidic and polar, at codon 1081 of the GRIN2D protein (p.Gly1081Asp). The frequency data for this variant in the population databases is considered unreliable, as metrics indicate insufficient coverage at this position in the gnomAD database. This variant has not been reported in the literature in individuals affected with GRIN2D-related conditions. Advanced modeling of protein sequence and biophysical properties (such as structural, functional, and spatial information, amino acid conservation, physicochemical variation, residue mobility, and thermodynamic stability) performed at Invitae indicates that this missense variant is not expected to disrupt GRIN2D protein function. In summary, the available evidence is currently insufficient to determine the role of this variant in disease. Therefore, it has been classified as a Variant of Uncertain Significance.

Neuberg Centre For Genomic Medicine, NCGM
Classification: Uncertain significance for Developmental and epileptic encephalopathy, 46. Review status: criteria provided, single submitter. Criteria: ACMG Guidelines, 2015. Collection method: clinical testing. Allele origin: germline. Inheritance: Autosomal dominant inheritance. Affected: yes.
Comment: The missense variant c.3242G>A (p.Gly1081Asp) in GRIN2D gene has not been reported previously as a pathogenic variant nor as a benign variant, to our knowledge. The variant is novel (not in any individuals) in gnomAD Exomes and 1000 Genomes. The amino acid Glycine at position 1081 is changed to a Aspartic acid changing protein sequence and it might alter its composition and physico-chemical properties. The variant is predicted to be damaging by SIFT. The residue is conserved across species. For these reasons, this variant has been classified as Uncertain Significance.

NM_000836.4(GRIN2D):c.3242G>A (p.Gly1081Asp)

Gene: GRIN2D (glutamate ionotropic receptor NMDA type subunit 2D; plus strand). Cytogenetic location: 19q13.33.
Variant type: single nucleotide variant.
Coding change: c.3242G>A on transcript NM_000836.4 (MANE Select); coding-DNA position 3242, G replaced by A.
Protein change: p.Gly1081Asp; replaces glycine 1081 with aspartic acid.
Molecular consequence: missense variant.
Genome position (GRCh38, 1-based): chr19:48,443,168, G>A. VCF-style: chr19-48443168-G-A. GRCh37 (hg19) VCF-style: chr19-48946425-G-A.
Other names: short protein forms G1081D.
Identifiers: ClinVar variation 2585256 (VCV002585256.4), dbSNP rs1971327127, ClinGen allele CA406675187.
Genomic context (GRCh38, chr19:48,443,168, plus strand): 5'-GGCCGCGCTCGGACCCCGAGAGCCAACCCCTGCTGGGGCCAGGCGCGGGCGGCGCGGGGG[G>A]CACGGGGGGCGCAGGCGGAGGAGCCCCGGCCGCTCCGCCCCCGTGCCGCGCCGCGCCGCC-3'
Protein context (NP_000827.2, residues 1071-1091): LLGPGAGGAG[Gly1081Asp]TGGAGGGAPA